The following is an entry in ClinVar:

ClinVar aggregate classification (germline): Uncertain significance (1 of 4 stars; one submission).

Submission:

GeneDx
Classification: Uncertain significance. Last evaluated: 2025-07-10. Review status: criteria provided, single submitter. Criteria: GeneDx Variant Classification Process June 2021. Collection method: clinical testing. Allele origin: germline. Affected: yes.
Comment: Not observed at significant frequency in large population cohorts (gnomAD); In silico analysis supports a deleterious effect on splicing; In silico analysis suggests that this missense variant does not alter protein structure/function; Has not been previously published as pathogenic or benign to our knowledge

NM_004100.5(EYA4):c.461C>T (p.Thr154Ile)

Gene: EYA4 (EYA transcriptional coactivator and phosphatase 4; plus strand). Cytogenetic location: 6q23.2.
Variant type: single nucleotide variant.
Coding change: c.461C>T on transcript NM_004100.5 (MANE Select); coding-DNA position 461, C replaced by T.
Protein change: p.Thr154Ile; replaces threonine 154 with isoleucine.
Molecular consequence: missense variant.
Genome position (GRCh38, 1-based): chr6:133,462,358, C>T. VCF-style: chr6-133462358-C-T. GRCh37 (hg19) VCF-style: chr6-133783496-C-T.
Other names: c.299C>T, p.Thr100Ile (NM_001301012.2, NM_001370459.1); c.461C>T, p.Thr154Ile (NM_001301013.2, NM_172105.4); c.392C>T, p.Thr131Ile (NM_001370458.1, NM_172103.4); short protein forms T100I, T131I, T154I.
Identifiers: ClinVar variation 4685280 (VCV004685280.1).